The following is an entry in ClinVar:

ClinVar aggregate classification (germline): Uncertain significance (1 of 4 stars; one submission).

Submission:

Labcorp Genetics (formerly Invitae), Labcorp
Classification: Uncertain significance. Last evaluated: 2022-07-15. Review status: criteria provided, single submitter. Criteria: Invitae Variant Classification Sherloc (09022015). Collection method: clinical testing. Allele origin: germline.
Comment: In summary, the available evidence is currently insufficient to determine the role of this variant in disease. Therefore, it has been classified as a Variant of Uncertain Significance. This variant has not been reported in the literature in individuals affected with GEN1-related conditions. This variant is not present in population databases (gnomAD no frequency). This sequence change creates a premature translational stop signal (p.Leu234Tyrfs*20) in the GEN1 gene. It is expected to result in an absent or disrupted protein product. However, the current clinical and genetic evidence is not sufficient to establish whether loss-of-function variants in GEN1 cause disease.

NM_001130009.3(GEN1):c.701del (p.Leu234fs)

Gene: GEN1 (GEN1 structure-specific endonuclease; plus strand). Cytogenetic location: 2p24.2.
Variant type: Deletion.
Coding change: c.701del on transcript NM_001130009.3 (MANE Select); coding-DNA position 701, one base deleted (T; older notation c.701delT).
Protein change: p.Leu234fs; shifts the reading frame from leucine 234.
Molecular consequence: frameshift variant.
Genome position (GRCh38, 1-based): chr2:17,768,802, T deleted; the last of 3 consecutive T bases (chr2:17,768,800-17,768,802); deleting any one gives the same sequence. VCF-style (leftmost placement, unchanged base first): chr2-17768799-GT-G. GRCh37 (hg19) VCF-style: chr2-17950066-GT-G.
Other names: c.701del, p.Leu234fs (NM_182625.5); short protein forms L234fs.
Identifiers: ClinVar variation 2017568 (VCV002017568.4), dbSNP rs2545571984, ClinGen allele CA2580063695.
Genomic context (GRCh38, chr2:17,768,799, plus strand): 5'-GAGTCCCTGGAGTTGGAAAAGAGCAAGCATTAAAACTTATACAGATTTTGAAAGGGCAAA[GT>G]TTACTTCAGAGGTAACTAATAATTACTTTCTCTTGTGACATTGAACCTTTATTCTTGCTG-3'